The following is an entry in ClinVar:

ClinVar aggregate classification (germline): Uncertain significance (1 of 4 stars; one submission).

Conditions:
Hereditary cancer-predisposing syndrome. Also called: Neoplastic Syndromes, Hereditary; Tumor predisposition; Hereditary Cancer Syndrome; Hereditary neoplastic syndrome. Identifiers: Orphanet 140162, MedGen C0027672, MeSH D009386, MONDO:0015356.

gnomAD v4.1: 1 of 1,614,090 alleles (0.000062%); highest among the groups gnomAD compares: Non-Finnish European, 0.000085%; no homozygotes.

Submission:

Ambry Genetics
Classification: Uncertain significance for Hereditary cancer-predisposing syndrome. Last evaluated: 2021-08-10. Review status: criteria provided, single submitter. Criteria: Ambry Variant Classification Scheme 2023. Collection method: clinical testing. Allele origin: germline.
Comment: The p.K552E variant (also known as c.1654A>G), located in coding exon 14 of the FANCC gene, results from an A to G substitution at nucleotide position 1654. The lysine at codon 552 is replaced by glutamic acid, an amino acid with similar properties. This amino acid position is conserved. In addition, this alteration is predicted to be tolerated by in silico analysis. Since supporting evidence is limited at this time, the clinical significance of this alteration remains unclear.

NM_000136.3(FANCC):c.1654A>G (p.Lys552Glu)

Genes: FANCC (FA complementation group C; minus strand), AOPEP (aminopeptidase O (putative); plus strand). Cytogenetic location: 9q22.32.
Variant type: single nucleotide variant.
Coding change: c.1654A>G on transcript NM_000136.3 (MANE Select); coding-DNA position 1654, A replaced by G.
Protein change: p.Lys552Glu; replaces lysine 552 with glutamic acid.
Molecular consequence: missense variant.
Genome position (GRCh38, 1-based): chr9:95,101,730, T>C on the plus strand (A>G on the coding strand, the complement: FANCC is on the minus strand). VCF-style: chr9-95101730-T-C. GRCh37 (hg19) VCF-style: chr9-97864012-T-C.
Other names: c.1654A>G, p.Lys552Glu (NM_001243743.2); short protein forms K552E.
Identifiers: ClinVar variation 1777313 (VCV001777313.2), dbSNP rs2071082816, ClinGen allele CA374104263.